The following is an entry in ClinVar:

ClinVar aggregate classification (germline): Uncertain significance. Review status: criteria provided, multiple submitters, no conflicts (2 of 4 stars). 2 submissions from 2 submitters: Uncertain significance (2). Last evaluated 2025-11-26.

Conditions:
Inborn genetic diseases. Identifiers: MedGen C0950123, MeSH D030342.

Allele frequency attached by ClinVar (database versions not stated): ExAC 0.00001; TOPMed 0.00001; gnomAD exomes 0.00002; gnomAD 0.00001.
gnomAD v4.1: 22 of 1,612,830 alleles (0.0014%); highest among the groups gnomAD compares: South Asian, 0.0022%; no homozygotes.

Submissions (2):

Ambry Genetics
Classification: Uncertain significance for Inborn genetic diseases. Last evaluated: 2025-11-26. Review status: criteria provided, single submitter. Criteria: Ambry Variant Classification Scheme 2023. Collection method: clinical testing. Allele origin: germline.

Labcorp Genetics (formerly Invitae), Labcorp
Classification: Uncertain significance. Last evaluated: 2022-08-15. Review status: criteria provided, single submitter. Criteria: Invitae Variant Classification Sherloc (09022015). Collection method: clinical testing. Allele origin: germline.
Comment: This sequence change replaces threonine, which is neutral and polar, with isoleucine, which is neutral and non-polar, at codon 403 of the PIGB protein (p.Thr403Ile). This variant is present in population databases (rs746920558, gnomAD 0.003%). This variant has not been reported in the literature in individuals affected with PIGB-related conditions. Algorithms developed to predict the effect of missense changes on protein structure and function (SIFT, PolyPhen-2, Align-GVGD) all suggest that this variant is likely to be tolerated. In summary, the available evidence is currently insufficient to determine the role of this variant in disease. Therefore, it has been classified as a Variant of Uncertain Significance.

NM_004855.5(PIGB):c.1208C>T (p.Thr403Ile)

Gene: PIGB (phosphatidylinositol glycan anchor biosynthesis class B; plus strand). Cytogenetic location: 15q21.3.
Variant type: single nucleotide variant.
Coding change: c.1208C>T on transcript NM_004855.5 (MANE Select); coding-DNA position 1208, C replaced by T.
Protein change: p.Thr403Ile; replaces threonine 403 with isoleucine.
Molecular consequence: missense variant.
Genome position (GRCh38, 1-based): chr15:55,350,783, C>T. VCF-style: chr15-55350783-C-T. GRCh37 (hg19) VCF-style: chr15-55642981-C-T.
Other names: c.1208C>T (NM_004855.4); short protein forms T403I.
Identifiers: ClinVar variation 2093820 (VCV002093820.2), dbSNP rs746920558, ClinGen allele CA7574034.